The following is an entry in ClinVar:

NM_003998.4(NFKB1):c.208_209insA (p.Leu70fs)

Gene: NFKB1 (nuclear factor kappa B subunit 1; plus strand). Cytogenetic location: 4q24.
Variant type: Insertion.
Coding change: c.208_209insA on transcript NM_003998.4 (MANE Select); coding-DNA positions 208 to 209, A inserted.
Protein change: p.Leu70fs; shifts the reading frame from leucine 70.
Molecular consequence: frameshift variant.
Genome position: GRCh38 VCF-style: chr4-102537906-C-CA. GRCh37 (hg19) VCF-style: chr4-103459063-C-CA.
Other names: c.205_206insA, p.Leu69fs (NM_001165412.2, NM_001319226.2, NM_001382627.1); c.208_209insA, p.Leu70fs (NM_001382625.1, NM_001382626.1); c.166_167insA, p.Leu56fs (NM_001382628.1); short protein forms L56fs, L69fs, L70fs.
Identifiers: ClinVar variation 1073467 (VCV001073467.3), dbSNP rs2149127930, ClinGen allele CA2499217034.

ClinVar aggregate classification (germline): Pathogenic (1 of 4 stars; one submission).

Submission:

Labcorp Genetics (formerly Invitae), Labcorp
Classification: Pathogenic. Last evaluated: 2018-06-24. Review status: criteria provided, single submitter. Criteria: Invitae Variant Classification Sherloc (09022015). Collection method: clinical testing. Allele origin: germline.
Comment: This variant has not been reported in the literature in individuals with NFKB1-related disease. For these reasons, this variant has been classified as Pathogenic. Loss-of-function variants in NFKB1 are known to be pathogenic (PMID: 26279205). This variant is not present in population databases (ExAC no frequency). This sequence change creates a premature translational stop signal (p.Leu70Hisfs*6) in the NFKB1 gene. It is expected to result in an absent or disrupted protein product.

Literature cited by the submitters: PubMed 26279205.